The following is an entry in ClinVar:

NM_001278064.2(GRM1):c.1622T>G (p.Val541Gly)

Gene: GRM1 (glutamate metabotropic receptor 1; plus strand). Cytogenetic location: 6q24.3.
Variant type: single nucleotide variant.
Coding change: c.1622T>G on transcript NM_001278064.2 (MANE Select); coding-DNA position 1622, T replaced by G.
Protein change: p.Val541Gly; replaces valine 541 with glycine.
Molecular consequence: missense variant.
Genome position (GRCh38, 1-based): chr6:146,386,909, T>G. VCF-style: chr6-146386909-T-G. GRCh37 (hg19) VCF-style: chr6-146708045-T-G.
Other names: c.1622T>G, p.Val541Gly (NM_001278065.2, NM_001278066.1, NM_001278067.1); short protein forms V541G.
Identifiers: ClinVar variation 2703782 (VCV002703782.3), dbSNP rs2114529326, ClinGen allele CA366191794.

ClinVar aggregate classification (germline): Uncertain significance (1 of 4 stars; one submission).

Submission:

Labcorp Genetics (formerly Invitae), Labcorp
Classification: Uncertain significance. Last evaluated: 2024-12-02. Review status: criteria provided, single submitter. Criteria: Invitae Variant Classification Sherloc (09022015). Collection method: clinical testing. Allele origin: germline.
Comment: This sequence change replaces valine, which is neutral and non-polar, with glycine, which is neutral and non-polar, at codon 541 of the GRM1 protein (p.Val541Gly). This variant is not present in population databases (gnomAD no frequency). This variant has not been reported in the literature in individuals affected with GRM1-related conditions. ClinVar contains an entry for this variant (Variation ID: 2703782). An algorithm developed to predict the effect of missense changes on protein structure and function (PolyPhen-2) suggests that this variant is likely to be disruptive. In summary, the available evidence is currently insufficient to determine the role of this variant in disease. Therefore, it has been classified as a Variant of Uncertain Significance.